The following is an entry in ClinVar:

NM_002471.4(MYH6):c.2771T>A (p.Met924Lys)

Gene: MYH6 (myosin heavy chain 6; minus strand). Cytogenetic location: 14q11.2.
Variant type: single nucleotide variant.
Coding change: c.2771T>A on transcript NM_002471.4 (MANE Select); coding-DNA position 2771, T replaced by A.
Protein change: p.Met924Lys; replaces methionine 924 with lysine.
Molecular consequence: missense variant.
Genome position (GRCh38, 1-based): chr14:23,393,823, A>T on the plus strand (T>A on the coding strand, the complement: MYH6 is on the minus strand). VCF-style: chr14-23393823-A-T. GRCh37 (hg19) VCF-style: chr14-23863032-A-T.
Other names: short protein forms M924K.
Identifiers: ClinVar variation 263550 (VCV000263550.5), dbSNP rs746669440, ClinGen allele CA10587762.
Genomic context (GRCh38, chr14:23,393,823, plus strand): 5'-TTGCGCTTCTTGGCAGTGAGCTCCGCGTTCATCTCCTCCTCATCCTCCAGCCTCTCATTC[A>T]TCTCCTTTACTTTGGCCTCCAGCTGAATCTTGTTTTTGATCAGCTGGTCGCAGCGCTCCT-3'
Protein context (NP_002462.2, residues 914-934): KIQLEAKVKE[Met924Lys]NERLEDEEEM

ClinVar aggregate classification (germline): Uncertain significance (1 of 4 stars; one submission).

Conditions:
Cardiovascular phenotype. Identifiers: MedGen CN230736.

Allele frequency attached by ClinVar (database versions not stated): TOPMed 0.00001.
gnomAD v4.1: 1 of 1,614,154 alleles (0.000062%); highest among the groups gnomAD compares: Non-Finnish European, 0.000085%; no homozygotes.

Submission:

Ambry Genetics
Classification: Uncertain significance for Cardiovascular phenotype. Last evaluated: 2020-06-11. Review status: criteria provided, single submitter. Criteria: Ambry Variant Classification Scheme 2023. Collection method: clinical testing. Allele origin: germline.
Comment: The p.M924K variant (also known as c.2771T>A), located in coding exon 20 of the MYH6 gene, results from a T to A substitution at nucleotide position 2771. The methionine at codon 924 is replaced by lysine, an amino acid with similar properties. This amino acid position is not well conserved in available vertebrate species. In addition, the in silico prediction for this alteration is inconclusive. Since supporting evidence is limited at this time, the clinical significance of this alteration remains unclear.